The following is an entry in ClinVar:

ClinVar aggregate classification (germline): Likely benign. Review status: criteria provided, multiple submitters, no conflicts (2 of 4 stars). 2 submissions from 2 submitters: Likely benign (2). Last evaluated 2026-02-02.

Allele frequency attached by ClinVar (database versions not stated): gnomAD 0.00004 and 0.00005; gnomAD exomes 0.00004 and 0.00017; ExAC 0.00008; ESP Exome Variant Server 0.00008; TOPMed 0.00010.
gnomAD v4.1: 255 of 1,589,186 alleles (0.016%); highest among the groups gnomAD compares: Non-Finnish European, 0.02%; no homozygotes.

Submissions (2):

Labcorp Genetics (formerly Invitae), Labcorp
Classification: Likely benign. Last evaluated: 2026-02-02. Review status: criteria provided, single submitter. Criteria: Invitae Variant Classification Sherloc (09022015). Collection method: clinical testing. Allele origin: germline.

GeneDx
Classification: Likely benign. Last evaluated: 2016-12-12. Review status: criteria provided, single submitter. Criteria: GeneDx Variant Classification (06012015). Collection method: clinical testing. Allele origin: germline. Affected: yes.
Comment: This variant is considered likely benign or benign based on one or more of the following criteria: it is a conservative change, it occurs at a poorly conserved position in the protein, it is predicted to be benign by multiple in silico algorithms, and/or has population frequency not consistent with disease.

NM_001042545.2(LTBP4):c.992-11G>C

Gene: LTBP4 (latent transforming growth factor beta binding protein 4; plus strand). Cytogenetic location: 19q13.2.
Variant type: single nucleotide variant.
Coding change: c.992-11G>C on transcript NM_001042545.2 (MANE Select); 11 bases into the intron before coding-DNA position 992, G replaced by C.
Molecular consequence: intron variant.
Genome position (GRCh38, 1-based): chr19:40,607,354, G>C. VCF-style: chr19-40607354-G-C. GRCh37 (hg19) VCF-style: chr19-41113260-G-C.
Other names: c.1082-11G>C (NM_003573.2); c.1193-11G>C (NM_001042544.1).
Identifiers: ClinVar variation 391630 (VCV000391630.4), dbSNP rs367929270, ClinGen allele CA9448167.